The following is an entry in ClinVar:

ClinVar aggregate classification (germline): Uncertain significance (1 of 4 stars; one submission).

Conditions:
Noonan syndrome 8 (NS8). Identifiers: Orphanet 648, MedGen C3809233, MONDO:0014143, OMIM 615355.

Allele frequency attached by ClinVar (database versions not stated): gnomAD exomes below 0.00001.
gnomAD v4.1: 2 of 1,614,176 alleles (0.00012%); highest among the groups gnomAD compares: Non-Finnish European, 0.00017%; no homozygotes.

Submission:

Labcorp Genetics (formerly Invitae), Labcorp
Classification: Uncertain significance for Noonan syndrome 8. Last evaluated: 2022-04-11. Review status: criteria provided, single submitter. Criteria: Invitae Variant Classification Sherloc (09022015). Collection method: clinical testing. Allele origin: germline.
Comment: This sequence change replaces valine, which is neutral and non-polar, with isoleucine, which is neutral and non-polar, at codon 203 of the RIT1 protein (p.Val203Ile). This variant is not present in population databases (gnomAD no frequency). This variant has not been reported in the literature in individuals affected with RIT1-related conditions. Advanced modeling of protein sequence and biophysical properties (such as structural, functional, and spatial information, amino acid conservation, physicochemical variation, residue mobility, and thermodynamic stability) performed at Invitae indicates that this missense variant is not expected to disrupt RIT1 protein function. In summary, the available evidence is currently insufficient to determine the role of this variant in disease. Therefore, it has been classified as a Variant of Uncertain Significance.

NM_006912.6(RIT1):c.607G>A (p.Val203Ile)

Gene: RIT1 (Ras like without CAAX 1; minus strand). Cytogenetic location: 1q22.
Variant type: single nucleotide variant.
Coding change: c.607G>A on transcript NM_006912.6 (MANE Select); coding-DNA position 607, G replaced by A.
Protein change: p.Val203Ile; replaces valine 203 with isoleucine.
Molecular consequence: missense variant.
Genome position (GRCh38, 1-based): chr1:155,900,441, C>T on the plus strand (G>A on the coding strand, the complement: RIT1 is on the minus strand). VCF-style: chr1-155900441-C-T. GRCh37 (hg19) VCF-style: chr1-155870232-C-T.
Other names: c.499G>A, p.Val167Ile (NM_001256820.2); c.658G>A, p.Val220Ile (NM_001256821.2); short protein forms V167I, V203I, V220I.
Identifiers: ClinVar variation 1958430 (VCV001958430.5), dbSNP rs2527171130, ClinGen allele CA342800828.
Genomic context (GRCh38, chr1:155,900,441, plus strand): 5'-CTTCTCTTCAAGTTACTGAATCTTTCTTCTTCCGGAATGGTGATTTTAGCCTCTTCCATA[C>T]ACTGTTTTTGGGCTTAGATTTTTTCTCCATGGCCAGTACTGCCTCCTTTTCTTTCCTACG-3'
Protein context (NP_008843.1, residues 193-213): MEKKSKPKNS[Val203Ile]WKRLKSPFRK